The following is an entry in ClinVar:

NM_031935.3(HMCN1):c.928C>T (p.Arg310Cys)

Gene: HMCN1 (hemicentin 1; plus strand). Cytogenetic location: 1q31.1.
Variant type: single nucleotide variant.
Coding change: c.928C>T on transcript NM_031935.3 (MANE Select); coding-DNA position 928, C replaced by T.
Protein change: p.Arg310Cys; replaces arginine 310 with cysteine.
Molecular consequence: missense variant.
Genome position (GRCh38, 1-based): chr1:185,922,406, C>T. VCF-style: chr1-185922406-C-T. GRCh37 (hg19) VCF-style: chr1-185891538-C-T.
Other names: short protein forms R310C.
Identifiers: ClinVar variation 2978148 (VCV002978148.3), dbSNP rs746256161, ClinGen allele CA1290987.

ClinVar aggregate classification (germline): Uncertain significance (1 of 4 stars; one submission).

Allele frequency attached by ClinVar (database versions not stated): ExAC 0.00001; gnomAD 0.00001; TOPMed 0.00003.
gnomAD v4.1: 35 of 1,613,410 alleles (0.0022%); highest among the groups gnomAD compares: Non-Finnish European, 0.0026%; no homozygotes.

Submission:

Labcorp Genetics (formerly Invitae), Labcorp
Classification: Uncertain significance. Last evaluated: 2022-12-07. Review status: criteria provided, single submitter. Criteria: Invitae Variant Classification Sherloc (09022015). Collection method: clinical testing. Allele origin: germline.
Comment: This sequence change replaces arginine, which is basic and polar, with cysteine, which is neutral and slightly polar, at codon 310 of the HMCN1 protein (p.Arg310Cys). This variant is present in population databases (rs746256161, gnomAD 0.004%). This variant has not been reported in the literature in individuals affected with HMCN1-related conditions. Algorithms developed to predict the effect of missense changes on protein structure and function are either unavailable or do not agree on the potential impact of this missense change (SIFT: "Deleterious"; PolyPhen-2: "Probably Damaging"; Align-GVGD: "Class C0"). In summary, the available evidence is currently insufficient to determine the role of this variant in disease. Therefore, it has been classified as a Variant of Uncertain Significance.